The following is an entry in ClinVar:

ClinVar aggregate classification (germline): Conflicting classifications of pathogenicity. Review status: criteria provided, conflicting classifications (1 of 4 stars). 4 submissions from 4 submitters: Uncertain significance (1); Likely benign (3). Last evaluated 2025-09-30.

Conditions:
Inborn genetic diseases. Identifiers: MedGen C0950123, MeSH D030342.
Giant axonal neuropathy 1 (GAN1). Also called: GIANT AXONAL NEUROPATHY 1, AUTOSOMAL RECESSIVE; GAN-Related Neurodegeneration. Identifiers: Orphanet 643, MedGen C1850386, MONDO:0009749, OMIM 256850.

Allele frequency attached by ClinVar (database versions not stated): TOPMed 0.00001; gnomAD 0.00002; gnomAD exomes 0.00002.
gnomAD v4.1: 28 of 1,604,406 alleles (0.0017%); highest among the groups gnomAD compares: Non-Finnish European, 0.0022%; no homozygotes.

Submissions (4):

Labcorp Genetics (formerly Invitae), Labcorp
Classification: Likely benign for Giant axonal neuropathy 1. Last evaluated: 2025-09-30. Review status: criteria provided, single submitter. Criteria: Invitae Variant Classification Sherloc (09022015). Collection method: clinical testing. Allele origin: germline.

CeGaT Center for Human Genetics Tuebingen
Classification: Likely benign. Last evaluated: 2022-07-01. Review status: criteria provided, single submitter. Criteria: CeGaT Center For Human Genetics Tuebingen Variant Classification Criteria Version 2. Collection method: clinical testing. Allele origin: germline. Affected: yes. Observed: 1 variant allele.
Comment: GAN: BP4, BP7

Ambry Genetics
Classification: Likely benign for Inborn genetic diseases. Last evaluated: 2019-07-11. Review status: criteria provided, single submitter. Criteria: Ambry Variant Classification Scheme 2023. Collection method: clinical testing. Allele origin: germline.

Illumina Laboratory Services, Illumina
Classification: Uncertain significance for Giant axonal neuropathy 1. Last evaluated: 2018-01-13. Review status: criteria provided, single submitter. Criteria: ICSL Variant Classification Criteria 13 December 2019. Collection method: clinical testing. Allele origin: germline.

NM_022041.4(GAN):c.1518C>T (p.Asn506=)

Gene: GAN (gigaxonin; plus strand). Cytogenetic location: 16q23.2.
Variant type: single nucleotide variant.
Coding change: c.1518C>T on transcript NM_022041.4 (MANE Select); coding-DNA position 1518, C replaced by T.
Protein change: p.Asn506=; no amino-acid change (asparagine 506 retained).
Molecular consequence: synonymous variant.
Genome position (GRCh38, 1-based): chr16:81,377,234, C>T. VCF-style: chr16-81377234-C-T. GRCh37 (hg19) VCF-style: chr16-81410839-C-T.
Other names: c.879C>T, p.Asn293= (NM_001377486.1).
Identifiers: ClinVar variation 320657 (VCV000320657.40), dbSNP rs886052333, ClinGen allele CA10649019.